The following is an entry in ClinVar:

ClinVar aggregate classification (germline): Conflicting classifications of pathogenicity. Review status: criteria provided, conflicting classifications (1 of 4 stars). 4 submissions from 4 submitters: Uncertain significance (3); Likely benign (1). Last evaluated 2026-07-06.

Conditions:
Hereditary cancer-predisposing syndrome. Also called: Tumor predisposition; Neoplastic Syndromes, Hereditary; Hereditary Cancer Syndrome; Hereditary neoplastic syndrome. Identifiers: Orphanet 140162, MedGen C0027672, MeSH D009386, MONDO:0015356.
Hereditary diffuse gastric adenocarcinoma (HDGC). Also called: DIFFUSE GASTRIC AND LOBULAR BREAST CANCER SYNDROME. Identifiers: Orphanet 26106, MedGen C1708349, MONDO:0007648, OMIM 137215.

Allele frequency attached by ClinVar (database versions not stated): gnomAD exomes below 0.00001; TOPMed below 0.00001.
gnomAD v4.1: 3 of 1,614,158 alleles (0.00019%); highest among the groups gnomAD compares: Non-Finnish European, 0.00025%; no homozygotes.

Submissions (4):

Ambry Genetics
Classification: Likely benign for Hereditary cancer-predisposing syndrome. Last evaluated: 2026-07-06. Review status: criteria provided, single submitter. Criteria: Ambry Variant Classification Scheme 2023. Collection method: clinical testing. Allele origin: germline.

Labcorp Genetics (formerly Invitae), Labcorp
Classification: Uncertain significance for Hereditary diffuse gastric adenocarcinoma. Last evaluated: 2024-04-29. Review status: criteria provided, single submitter. Criteria: Invitae Variant Classification Sherloc (09022015). Collection method: clinical testing. Allele origin: germline.
Comment: This sequence change replaces glutamic acid, which is acidic and polar, with glycine, which is neutral and non-polar, at codon 218 of the CDH1 protein (p.Glu218Gly). This variant is not present in population databases (gnomAD no frequency). This variant has not been reported in the literature in individuals affected with CDH1-related conditions. ClinVar contains an entry for this variant (Variation ID: 239910). An algorithm developed to predict the effect of missense changes on protein structure and function (PolyPhen-2) suggests that this variant is likely to be tolerated. In summary, the available evidence is currently insufficient to determine the role of this variant in disease. Therefore, it has been classified as a Variant of Uncertain Significance.

Women's Health and Genetics/Laboratory Corporation of America, LabCorp
Classification: Uncertain significance. Last evaluated: 2022-06-20. Review status: criteria provided, single submitter. Criteria: LabCorp Variant Classification Summary - May 2015. Collection method: clinical testing. Allele origin: germline.

GeneDx
Classification: Uncertain significance. Last evaluated: 2015-03-23. Review status: criteria provided, single submitter. Criteria: GeneDx Variant Classification (06012015). Collection method: clinical testing. Allele origin: germline. Affected: yes.
Comment: This variant is denoted CDH1 c.653A>G at the cDNA level, p.Glu218Gly (E218G) at the protein level, and results in the change of a Glutamic Acid to a Glycine (GAG>GGG). This variant has not, to our knowledge, been published in the literature as pathogenic or benign. CDH1 Glu218Gly was not observed in approximately 6,500 individuals of European and African American ancestry in the NHLBI Exome Sequencing Project, indicating it is not a common benign variant in these populations. Since Glutamic Acid and Glycine differ in polarity, charge, size or other properties, this is considered a non-conservative amino acid substitution. CDH1 Glu218Gly occurs at a position that is not conserved across species and is located within the Cadherin 1 domain (UniProt). In silico analyses are inconsistent regarding the effect this variant may have on protein structure and function. Based on currently available information, it is unclear whether CDH1 Glu218Gly is pathogenic or benign. We consider it to be a variant of uncertain significance.

NM_004360.5(CDH1):c.653A>G (p.Glu218Gly)

Gene: CDH1 (cadherin 1; plus strand). Cytogenetic location: 16q22.1.
Variant type: single nucleotide variant.
Coding change: c.653A>G on transcript NM_004360.5 (MANE Select); coding-DNA position 653, A replaced by G.
Protein change: p.Glu218Gly; replaces glutamic acid 218 with glycine.
Molecular consequence: missense variant. On other transcripts: 5 prime UTR variant (2).
Genome position (GRCh38, 1-based): chr16:68,808,814, A>G. VCF-style: chr16-68808814-A-G. GRCh37 (hg19) VCF-style: chr16-68842717-A-G.
Other names: c.653A>G (LRG_301t1); c.653A>G, p.Glu218Gly (NM_001317184.2); c.-963A>G (NM_001317185.2); c.-1167A>G (NM_001317186.2); short protein forms E218G.
Identifiers: ClinVar variation 239910 (VCV000239910.15), dbSNP rs878854693, ClinGen allele CA10583409.